The following is an entry in ClinVar:

NM_014049.5(ACAD9):c.1029+1G>A

Gene: ACAD9 (acyl-CoA dehydrogenase family member 9; plus strand). Cytogenetic location: 3q21.3.
Variant type: single nucleotide variant.
Coding change: c.1029+1G>A on transcript NM_014049.5 (MANE Select); the canonical splice donor site of the intron after coding-DNA position 1029, G replaced by A.
Molecular consequence: splice donor variant.
Genome position (GRCh38, 1-based): chr3:128,904,133, G>A. VCF-style: chr3-128904133-G-A. GRCh37 (hg19) VCF-style: chr3-128622976-G-A.
Other names: c.660+1G>A (NM_001410805.1).
Identifiers: ClinVar variation 2758771 (VCV002758771.3), dbSNP rs2107657800, ClinGen allele CA354436082.

ClinVar aggregate classification (germline): Likely pathogenic (1 of 4 stars; one submission).

Allele frequency attached by ClinVar (database versions not stated): gnomAD exomes below 0.00001.
gnomAD v4.1: 1 of 1,614,036 alleles (0.000062%); highest among the groups gnomAD compares: Non-Finnish European, 0.000085%; no homozygotes.

Submission:

Labcorp Genetics (formerly Invitae), Labcorp
Classification: Likely pathogenic. Last evaluated: 2024-01-18. Review status: criteria provided, single submitter. Criteria: Invitae Variant Classification Sherloc (09022015). Collection method: clinical testing. Allele origin: germline.
Comment: This sequence change affects a donor splice site in intron 10 of the ACAD9 gene. It is expected to disrupt RNA splicing. Variants that disrupt the donor or acceptor splice site typically lead to a loss of protein function (PMID: 16199547), and loss-of-function variants in ACAD9 are known to be pathogenic (PMID: 25721401). This variant is not present in population databases (gnomAD no frequency). This variant has not been reported in the literature in individuals affected with ACAD9-related conditions. Algorithms developed to predict the effect of sequence changes on RNA splicing suggest that this variant may disrupt the consensus splice site. In summary, the currently available evidence indicates that the variant is pathogenic, but additional data are needed to prove that conclusively. Therefore, this variant has been classified as Likely Pathogenic.

Literature cited by the submitters: PubMed 16199547; PubMed 25721401.